The following is an entry in ClinVar:

NM_005051.3(QARS1):c.877-17T>C

Gene: QARS1 (glutaminyl-tRNA synthetase 1; minus strand). Cytogenetic location: 3p21.31.
Variant type: single nucleotide variant.
Coding change: c.877-17T>C on transcript NM_005051.3 (MANE Select); 17 bases into the intron before coding-DNA position 877, T replaced by C.
Molecular consequence: intron variant.
Genome position (GRCh38, 1-based): chr3:49,100,691, A>G on the plus strand (T>C on the coding strand, the complement: QARS1 is on the minus strand). VCF-style: chr3-49100691-A-G. GRCh37 (hg19) VCF-style: chr3-49138124-A-G.
Other names: c.844-17T>C (NM_001272073.2).
Identifiers: ClinVar variation 380081 (VCV000380081.11), dbSNP rs374002070, ClinGen allele CA2391956.
Genomic context (GRCh38, chr3:49,100,691, plus strand): 5'-GGGTTGGTGTCATCAAAACGCAGAAAACAGATGCCATTGTTGGCCTAGGAAAGTTGCACC[A>G]TCTGTGAACTCCCACATCATCCATCAGCCCCACAATCCTGTTTATCAAACTAGGATATTC-3'

ClinVar aggregate classification (germline): Benign/Likely benign. Review status: criteria provided, multiple submitters, no conflicts (2 of 4 stars). 4 submissions from 4 submitters: Benign (1); Likely benign (3). Last evaluated 2026-02-02.

Conditions:
Diffuse cerebral and cerebellar atrophy - intractable seizures - progressive microcephaly syndrome. Also called: Microcephaly, progressive, with seizures and cerebral and cerebellar atrophy. Identifiers: Orphanet 404437, MedGen C4014239, MONDO:0014335, OMIM 615760.

Allele frequency attached by ClinVar (database versions not stated): 1000 Genomes Project 30x 0.00016; gnomAD exomes 0.00064 and 0.00167; ExAC 0.00066; TOPMed 0.00097; gnomAD 0.00102 and 0.00108; ESP Exome Variant Server 0.00123.
gnomAD v4.1: 2,392 of 1,524,274 alleles (0.16%); highest among the groups gnomAD compares: Non-Finnish European, 0.21%; 2 homozygotes.

Submissions (4):

Labcorp Genetics (formerly Invitae), Labcorp
Classification: Likely benign for Diffuse cerebral and cerebellar atrophy - intractable seizures - progressive microcephaly syndrome. Last evaluated: 2026-02-02. Review status: criteria provided, single submitter. Criteria: Invitae Variant Classification Sherloc (09022015). Collection method: clinical testing. Allele origin: germline.

ARUP Laboratories, Molecular Genetics and Genomics, ARUP Laboratories
Classification: Benign for Diffuse cerebral and cerebellar atrophy - intractable seizures - progressive microcephaly syndrome. Last evaluated: 2025-03-13. Review status: criteria provided, single submitter. Criteria: ARUP Molecular Germline Variant Investigation Process 2024. Collection method: clinical testing. Allele origin: germline.

Blueprint Genetics
Classification: Likely benign. Last evaluated: 2024-11-05. Review status: criteria provided, single submitter. Criteria: ACMG Guidelines, 2015. Collection method: clinical testing. Allele origin: germline.

GeneDx
Classification: Likely benign. Last evaluated: 2018-03-08. Review status: criteria provided, single submitter. Criteria: GeneDx Variant Classification (06012015). Collection method: clinical testing. Allele origin: germline. Affected: yes.
Comment: This variant is considered likely benign or benign based on one or more of the following criteria: it is a conservative change, it occurs at a poorly conserved position in the protein, it is predicted to be benign by multiple in silico algorithms, and/or has population frequency not consistent with disease.